The following is an entry in ClinVar:

NM_152703.5(SAMD9L):c.1730T>C (p.Met577Thr)

Gene: SAMD9L (sterile alpha motif domain containing 9 like; minus strand). Cytogenetic location: 7q21.2.
Variant type: single nucleotide variant.
Coding change: c.1730T>C on transcript NM_152703.5 (MANE Select); coding-DNA position 1730, T replaced by C.
Protein change: p.Met577Thr; replaces methionine 577 with threonine.
Molecular consequence: missense variant.
Genome position (GRCh38, 1-based): chr7:93,134,242, A>G on the plus strand (T>C on the coding strand, the complement: SAMD9L is on the minus strand). VCF-style: chr7-93134242-A-G. GRCh37 (hg19) VCF-style: chr7-92763555-A-G.
Other names: c.1730T>C, p.Met577Thr (NM_001303496.3, NM_001303497.3, NM_001303498.3 and 5 more transcripts); short protein forms M577T.
Identifiers: ClinVar variation 1414376 (VCV001414376.6), dbSNP rs1792301864, ClinGen allele CA368194952.

ClinVar aggregate classification (germline): Uncertain significance (1 of 4 stars; one submission).

Allele frequency attached by ClinVar (database versions not stated): gnomAD 0.00001; TOPMed 0.00002.

Submission:

Labcorp Genetics (formerly Invitae), Labcorp
Classification: Uncertain significance. Last evaluated: 2025-11-03. Review status: criteria provided, single submitter. Criteria: Invitae Variant Classification Sherloc (09022015). Collection method: clinical testing. Allele origin: germline.
Comment: This sequence change replaces methionine, which is neutral and non-polar, with threonine, which is neutral and polar, at codon 577 of the SAMD9L protein (p.Met577Thr). This variant is not present in population databases (gnomAD no frequency). This variant has not been reported in the literature in individuals affected with SAMD9L-related conditions. ClinVar contains an entry for this variant (Variation ID: 1414376). Invitae Evidence Modeling of protein sequence and biophysical properties (such as structural, functional, and spatial information, amino acid conservation, physicochemical variation, residue mobility, and thermodynamic stability) indicates that this missense variant is not expected to disrupt SAMD9L protein function with a negative predictive value of 80%. In summary, the available evidence is currently insufficient to determine the role of this variant in disease. Therefore, it has been classified as a Variant of Uncertain Significance.